The following is an entry in ClinVar:

ClinVar aggregate classification (germline): Uncertain significance (1 of 4 stars; one submission).

gnomAD v4.1: 2 of 1,614,224 alleles (0.00012%); highest among the groups gnomAD compares: South Asian, 0.0011%; no homozygotes.

Submission:

GeneDx
Classification: Uncertain significance. Last evaluated: 2025-03-13. Review status: criteria provided, single submitter. Criteria: GeneDx Variant Classification Process June 2021. Collection method: clinical testing. Allele origin: germline. Affected: yes.
Comment: Has not been previously published as pathogenic or benign to our knowledge; Not observed at significant frequency in large population cohorts (gnomAD); In silico analysis supports that this missense variant has a deleterious effect on protein structure/function

NM_015001.3(SPEN):c.5678G>T (p.Ser1893Ile)

Gene: SPEN (spen family transcriptional repressor; plus strand). Cytogenetic location: 1p36.13.
Variant type: single nucleotide variant.
Coding change: c.5678G>T on transcript NM_015001.3 (MANE Select); coding-DNA position 5678, G replaced by T.
Protein change: p.Ser1893Ile; replaces serine 1893 with isoleucine.
Molecular consequence: missense variant.
Genome position (GRCh38, 1-based): chr1:15,931,918, G>T. VCF-style: chr1-15931918-G-T. GRCh37 (hg19) VCF-style: chr1-16258413-G-T.
Other names: short protein forms S1893I.
Identifiers: ClinVar variation 4083311 (VCV004083311.1).